The following is an entry in ClinVar:

ClinVar aggregate classification (germline): not provided (0 of 4 stars; one submission).

Allele frequency attached by ClinVar (database versions not stated): gnomAD 0.00019 and 0.00029; TOPMed 0.00028; 1000 Genomes Project 0.00080; 1000 Genomes Project 30x 0.00187.
gnomAD v4.1: 44 of 152,226 alleles (0.029%); highest among the groups gnomAD compares: South Asian, 0.25%; no homozygotes.

Submission:

Human Evolutionary Genetics, Institut Pasteur
No classification provided. Review status: no classification provided. Collection method: not provided. Allele origin: germline.
ClinVar note: Converted during submission from untested to not provided.

NM_001384950.1(NLRC5):c.3339-404C>T

Gene: NLRC5 (NLR family CARD domain containing 5; plus strand). Cytogenetic location: 16q13.
Variant type: single nucleotide variant.
Coding change: c.3339-404C>T on transcript NM_001384950.1 (MANE Select); 404 bases into the intron before coding-DNA position 3339, C replaced by T.
Molecular consequence: intron variant.
Genome position (GRCh38, 1-based): chr16:57,047,141, C>T. VCF-style: chr16-57047141-C-T. GRCh37 (hg19) VCF-style: chr16-57081053-C-T.
Other names: c.3339-404C>T (NM_001384954.1, NM_001384953.1, NM_001384957.1 and 17 more transcripts); c.3165-404C>T (NM_001384960.1); c.3249-404C>T (NM_001384967.1, NM_001384968.1); c.3255-404C>T (NM_001384965.1); c.3099-404C>T (NM_001384972.1).
Identifiers: ClinVar variation 103177 (VCV000103177.2), dbSNP rs199475994, ClinGen allele CA230223.
Genomic context (GRCh38, chr16:57,047,141, plus strand): 5'-AGTGAGGCCCTGGGAAGGACATTTCAATTTCACTGTTAGCCCCAGGGCAATGGGGAGCCA[C>T]GGGGGTAACAGGGAGAGGCCTGGTCAGATGTGCAGTGTTAAAATGTGAGACACTTGTGGG-3'